The following is an entry in ClinVar:

ClinVar aggregate classification (germline): Uncertain significance (1 of 4 stars; one submission).

Submission:

Labcorp Genetics (formerly Invitae), Labcorp
Classification: Uncertain significance. Last evaluated: 2025-09-14. Review status: criteria provided, single submitter. Criteria: Invitae Variant Classification Sherloc (09022015). Collection method: clinical testing. Allele origin: germline.
Comment: This sequence change creates a premature translational stop signal (p.Gly1218Valfs*16) in the FBN3 gene. It is expected to result in an absent or disrupted protein product. However, the current clinical and genetic evidence is not sufficient to establish whether loss-of-function variants in FBN3 cause disease. This variant is present in population databases (rs762115991, gnomAD 0.01%). This variant has not been reported in the literature in individuals affected with FBN3-related conditions. ClinVar contains an entry for this variant (Variation ID: 1991303). In summary, the available evidence is currently insufficient to determine the role of this variant in disease. Therefore, it has been classified as a Variant of Uncertain Significance.

NM_032447.5(FBN3):c.3653del (p.Gly1218fs)

Gene: FBN3 (fibrillin 3; minus strand). Cytogenetic location: 19p13.2.
Variant type: Deletion.
Coding change: c.3653del on transcript NM_032447.5 (MANE Select); coding-DNA position 3653, one base deleted (G; older notation c.3653delG).
Protein change: p.Gly1218fs; shifts the reading frame from glycine 1218.
Molecular consequence: frameshift variant.
Genome position (GRCh38, 1-based): chr19:8,116,733, C deleted on the plus strand (G on the coding strand, the reverse complement: FBN3 is on the minus strand); the first of 5 consecutive C bases (chr19:8,116,733-8,116,737); deleting any one gives the same sequence. VCF-style (leftmost placement, unchanged base first): chr19-8116732-AC-A. GRCh37 (hg19) VCF-style: chr19-8181616-AC-A.
Other names: c.3653del, p.Gly1218fs (NM_001321431.2); short protein forms G1218fs.
Identifiers: ClinVar variation 1991303 (VCV001991303.4), dbSNP rs762115991, ClinGen allele CA9152374.
Genomic context (GRCh38, chr19:8,116,732, plus strand): 5'-ACCAACACATGTCCTCATGTCTGGCGTGGCCATGAAGCCATCATAGCACAGGCAGCGGTG[AC>A]CCCCTGGCATGTTGGTGCAGTGGCCTTGGTCACAAACGCGGGGGTTCTCTTCACACTCGT-3'